The following is an entry in ClinVar:

ClinVar aggregate classification (germline): Uncertain significance (1 of 4 stars; one submission).

gnomAD v4.1: 2 of 1,613,906 alleles (0.00012%); highest among the groups gnomAD compares: African/African-American, 0.0027%; no homozygotes.

Submission:

Labcorp Genetics (formerly Invitae), Labcorp
Classification: Uncertain significance. Last evaluated: 2025-04-17. Review status: criteria provided, single submitter. Criteria: Invitae Variant Classification Sherloc (09022015). Collection method: clinical testing. Allele origin: germline.
Comment: This sequence change replaces arginine, which is basic and polar, with leucine, which is neutral and non-polar, at codon 762 of the NLRP1 protein (p.Arg762Leu). This variant is not present in population databases (gnomAD no frequency). This variant has not been reported in the literature in individuals affected with NLRP1-related conditions. An algorithm developed to predict the effect of missense changes on protein structure and function (PolyPhen-2) suggests that this variant is likely to be tolerated. In summary, the available evidence is currently insufficient to determine the role of this variant in disease. Therefore, it has been classified as a Variant of Uncertain Significance.

NM_033004.4(NLRP1):c.2285G>T (p.Arg762Leu)

Gene: NLRP1 (NLR family pyrin domain containing 1; minus strand). Cytogenetic location: 17p13.2.
Variant type: single nucleotide variant.
Coding change: c.2285G>T on transcript NM_033004.4 (MANE Select); coding-DNA position 2285, G replaced by T.
Protein change: p.Arg762Leu; replaces arginine 762 with leucine.
Molecular consequence: missense variant.
Genome position (GRCh38, 1-based): chr17:5,558,411, C>A on the plus strand (G>T on the coding strand, the complement: NLRP1 is on the minus strand). VCF-style: chr17-5558411-C-A. GRCh37 (hg19) VCF-style: chr17-5461731-C-A.
Other names: c.2285G>T, p.Arg762Leu (NM_001033053.3, NM_014922.5, NM_033006.4 and 1 more transcripts); short protein forms R762L.
Identifiers: ClinVar variation 4770833 (VCV004770833.1).